The following is an entry in ClinVar:

ClinVar aggregate classification (germline): Likely benign (1 of 4 stars; one submission).

Conditions:
DMRT2-related disorder. Also called: DMRT2-related condition.

Submission:

PreventionGenetics, part of Exact Sciences
Classification: Likely benign for DMRT2-related condition. Last evaluated: 2025-08-13. Review status: criteria provided, single submitter. Criteria: ACMG Guidelines, 2015. Collection method: clinical testing. Allele origin: germline.
Comment: This variant is classified as likely benign based on ACMG/AMP sequence variant interpretation guidelines (Richards et al. 2015 PMID: 25741868, with internal and published modifications).

NM_181872.6(DMRT2):c.1095C>G (p.Thr365=)

Gene: DMRT2 (doublesex and mab-3 related transcription factor 2; plus strand). Cytogenetic location: 9p24.3.
Variant type: single nucleotide variant.
Coding change: c.1095C>G on transcript NM_181872.6 (MANE Select); coding-DNA position 1095, C replaced by G.
Protein change: p.Thr365=; no amino-acid change (threonine 365 retained).
Molecular consequence: synonymous variant. On other transcripts: 3 prime UTR variant (4), non-coding transcript variant (1).
Genome position (GRCh38, 1-based): chr9:1,056,682, C>G. VCF-style: chr9-1056682-C-G. GRCh37 (hg19) VCF-style: chr9-1056682-C-G.
Other names: c.*492C>G (NM_001130865.3, NM_001370533.1, NM_001387557.1); c.573C>G, p.Thr191= (NM_001370532.1); c.1095C>G, p.Thr365= (NM_001387558.1, NM_001387559.1); c.396C>G, p.Thr132= (NM_001387560.1); c.*908C>G (NM_006557.7).
Identifiers: ClinVar variation 4999268 (VCV004999268.1).